The following is an entry in ClinVar:

ClinVar aggregate classification (germline): Uncertain significance. Review status: criteria provided, multiple submitters, no conflicts (2 of 4 stars). 2 submissions from 2 submitters: Uncertain significance (2). Last evaluated 2023-08-30.

Conditions:
Inborn genetic diseases. Identifiers: MedGen C0950123, MeSH D030342.

Allele frequency attached by ClinVar (database versions not stated): TOPMed below 0.00001; ExAC 0.00002; gnomAD 0.00002; gnomAD exomes 0.00002 and 0.00005.
gnomAD v4.1: 78 of 1,613,520 alleles (0.0048%); highest among the groups gnomAD compares: Non-Finnish European, 0.0062%; no homozygotes.

Submissions (2):

Labcorp Genetics (formerly Invitae), Labcorp
Classification: Uncertain significance. Last evaluated: 2023-08-30. Review status: criteria provided, single submitter. Criteria: Invitae Variant Classification Sherloc (09022015). Collection method: clinical testing. Allele origin: germline.
Comment: In summary, the available evidence is currently insufficient to determine the role of this variant in disease. Therefore, it has been classified as a Variant of Uncertain Significance. An algorithm developed to predict the effect of missense changes on protein structure and function (PolyPhen-2) suggests that this variant¬†is likely to be tolerated. This sequence change replaces alanine, which is neutral and non-polar, with valine, which is neutral and non-polar, at codon 912 of the ADAMTS17 protein (p.Ala912Val). This variant is present in population databases (rs776589136, gnomAD 0.004%). This variant has not been reported in the literature in individuals affected with ADAMTS17-related conditions. ClinVar contains an entry for this variant (Variation ID: 1377768).

Ambry Genetics
Classification: Uncertain significance for Inborn genetic diseases. Last evaluated: 2023-07-05. Review status: criteria provided, single submitter. Criteria: Ambry Variant Classification Scheme 2023. Collection method: clinical testing. Allele origin: germline.

NM_139057.4(ADAMTS17):c.2735C>T (p.Ala912Val)

Gene: ADAMTS17 (ADAM metallopeptidase with thrombospondin type 1 motif 17; minus strand). Cytogenetic location: 15q26.3.
Variant type: single nucleotide variant.
Coding change: c.2735C>T on transcript NM_139057.4 (MANE Select); coding-DNA position 2735, C replaced by T.
Protein change: p.Ala912Val; replaces alanine 912 with valine.
Molecular consequence: missense variant.
Genome position (GRCh38, 1-based): chr15:99,997,446, G>A on the plus strand (C>T on the coding strand, the complement: ADAMTS17 is on the minus strand). VCF-style: chr15-99997446-G-A. GRCh37 (hg19) VCF-style: chr15-100537651-G-A.
Other names: c.2735C>T (NM_139057.2); short protein forms A912V.
Identifiers: ClinVar variation 1377768 (VCV001377768.5), dbSNP rs776589136, ClinGen allele CA7757596.